The following is an entry in ClinVar:

NM_006939.4(SOS2):c.622G>T (p.Ala208Ser)

Gene: SOS2 (SOS Ras/Rho guanine nucleotide exchange factor 2; minus strand). Cytogenetic location: 14q21.3.
Variant type: single nucleotide variant.
Coding change: c.622G>T on transcript NM_006939.4 (MANE Select); coding-DNA position 622, G replaced by T.
Protein change: p.Ala208Ser; replaces alanine 208 with serine.
Molecular consequence: missense variant.
Genome position (GRCh38, 1-based): chr14:50,188,589, C>A on the plus strand (G>T on the coding strand, the complement: SOS2 is on the minus strand). VCF-style: chr14-50188589-C-A. GRCh37 (hg19) VCF-style: chr14-50655307-C-A.
Other names: short protein forms A208S.
Identifiers: ClinVar variation 542398 (VCV000542398.15), dbSNP rs61755579, ClinGen allele CA7177485.

ClinVar aggregate classification (germline): Conflicting classifications of pathogenicity. Review status: criteria provided, conflicting classifications (1 of 4 stars). 5 submissions from 5 submitters: Uncertain significance (3); Benign (1); Likely benign (1). Last evaluated 2026-09-25.

Conditions:
SOS2-related disorder. Also called: SOS2-related condition.
Noonan syndrome 9 (NS9). Identifiers: Orphanet 648, MedGen C4225282, MONDO:0014691, OMIM 616559.

Allele frequency attached by ClinVar (database versions not stated): 1000 Genomes Project 30x 0.00031; 1000 Genomes Project 0.00040.
gnomAD v4.1: 42 of 1,606,962 alleles (0.0026%); highest among the groups gnomAD compares: East Asian, 0.031%; no homozygotes.

Submissions (5):

PreventionGenetics, part of Exact Sciences
Classification: Likely benign for SOS2-related condition. Last evaluated: 2026-09-25. Review status: criteria provided, single submitter. Criteria: ACMG Guidelines, 2015. Collection method: clinical testing. Allele origin: germline.
Comment: This variant is classified as likely benign based on ACMG/AMP sequence variant interpretation guidelines (Richards et al. 2015 PMID: 25741868, with internal and published modifications).

Labcorp Genetics (formerly Invitae), Labcorp
Classification: Benign for Noonan syndrome 9. Last evaluated: 2025-12-01. Review status: criteria provided, single submitter. Criteria: Invitae Variant Classification Sherloc (09022015). Collection method: clinical testing. Allele origin: germline.

Blueprint Genetics
Classification: Uncertain significance. Last evaluated: 2024-09-23. Review status: criteria provided, single submitter. Criteria: ACMG Guidelines, 2015. Collection method: clinical testing. Allele origin: germline.

Women's Health and Genetics/Laboratory Corporation of America, LabCorp
Classification: Uncertain significance. Last evaluated: 2022-01-17. Review status: criteria provided, single submitter. Criteria: LabCorp Variant Classification Summary - May 2015. Collection method: clinical testing. Allele origin: germline.
Comment: Variant summary: SOS2 c.622G>T (p.Ala208Ser) results in a conservative amino acid change located in the Dbl homology (DH) domain of the encoded protein sequence. Four of five in-silico tools predict a benign effect of the variant on protein function. The variant allele was found at a frequency of 3.7e-05 in 245786 control chromosomes. The available data on variant occurrences in the general population are insufficient to allow any conclusion about variant significance. c.622G>T has been reported in the literature as a maternally inherited VUS in an individual affected with pediatric heart disease (example, Reuter_2020). These report(s) do not provide unequivocal conclusions about association of the variant with Noonan Syndrome And Related Conditions. To our knowledge, no experimental evidence demonstrating an impact on protein function has been reported. One clinical diagnostic laboratory has submitted clinical-significance assessments for this variant to ClinVar after 2014 without evidence for independent evaluation and classified the variant as uncertain significance. Based on the evidence outlined above, the variant was classified as uncertain significance.

Genome-Nilou Lab
Classification: Uncertain significance for Noonan syndrome 9. Review status: criteria provided, single submitter. Criteria: ACMG Guidelines, 2015. Collection method: clinical testing. Allele origin: germline.

Literature cited by the submitters: PubMed 32037394 (cited by Women's Health and Genetics/Laboratory Corporation of America, LabCorp).